The following is an entry in ClinVar:

NM_021975.4(RELA):c.889C>T (p.Arg297Trp)

Gene: RELA (RELA proto-oncogene, NF-kB subunit; minus strand). Cytogenetic location: 11q13.1.
Variant type: single nucleotide variant.
Coding change: c.889C>T on transcript NM_021975.4 (MANE Select); coding-DNA position 889, C replaced by T.
Protein change: p.Arg297Trp; replaces arginine 297 with tryptophan.
Molecular consequence: missense variant.
Genome position (GRCh38, 1-based): chr11:65,655,924, G>A on the plus strand (C>T on the coding strand, the complement: RELA is on the minus strand). VCF-style: chr11-65655924-G-A. GRCh37 (hg19) VCF-style: chr11-65423395-G-A.
Other names: c.889C>T (NM_021975.3); c.880C>T, p.Arg294Trp (NM_001145138.2); c.889C>T, p.Arg297Trp (NM_001243984.2, NM_001243985.2); c.922C>T, p.Arg308Trp (NM_001404657.1); c.862C>T, p.Arg288Trp (NM_001404658.1); c.676C>T, p.Arg226Trp (NM_001404659.1); c.571C>T, p.Arg191Trp (NM_001404660.1); c.508C>T, p.Arg170Trp (NM_001404661.1); and 1 more; short protein forms R191W, R266W, R294W, R170W, R297W, R226W, R288W, R308W.
Identifiers: ClinVar variation 2181951 (VCV002181951.5), dbSNP rs755884402, ClinGen allele CA6106753.

ClinVar aggregate classification (germline): Uncertain significance. Review status: criteria provided, multiple submitters, no conflicts (2 of 4 stars). 2 submissions from 2 submitters: Uncertain significance (2). Last evaluated 2025-03-23.

Conditions:
RELA-related disorder. Also called: RELA-related condition.

Allele frequency attached by ClinVar (database versions not stated): ExAC 0.00002; gnomAD exomes 0.00002; gnomAD 0.00003; TOPMed 0.00008.
gnomAD v4.1: 30 of 1,613,886 alleles (0.0019%); highest among the groups gnomAD compares: African/African-American, 0.0027%; no homozygotes.

Submissions (2):

PreventionGenetics, part of Exact Sciences
Classification: Uncertain significance for RELA-related condition. Last evaluated: 2025-03-23. Review status: criteria provided, single submitter. Criteria: ACMG Guidelines, 2015. Collection method: clinical testing. Allele origin: germline.
Comment: The RELA c.889C>T variant is predicted to result in the amino acid substitution p.Arg297Trp. To our knowledge, this variant has not been reported in the literature. This variant is reported in 0.0054% of alleles in individuals of European (Non-Finnish) descent in gnomAD. At this time, the clinical significance of this variant is uncertain due to the absence of conclusive functional and genetic evidence.

Labcorp Genetics (formerly Invitae), Labcorp
Classification: Uncertain significance. Last evaluated: 2025-02-23. Review status: criteria provided, single submitter. Criteria: Invitae Variant Classification Sherloc (09022015). Collection method: clinical testing. Allele origin: germline.
Comment: This sequence change replaces arginine, which is basic and polar, with tryptophan, which is neutral and slightly polar, at codon 297 of the RELA protein (p.Arg297Trp). This variant is present in population databases (rs755884402, gnomAD 0.006%). This variant has not been reported in the literature in individuals affected with RELA-related conditions. ClinVar contains an entry for this variant (Variation ID: 2181951). An algorithm developed to predict the effect of missense changes on protein structure and function (PolyPhen-2) suggests that this variant is likely to be disruptive. In summary, the available evidence is currently insufficient to determine the role of this variant in disease. Therefore, it has been classified as a Variant of Uncertain Significance.